The following is an entry in ClinVar:

NM_080425.4(GNAS):c.1653G>T (p.Trp551Cys)

Gene: GNAS (GNAS complex locus; plus strand). Cytogenetic location: 20q13.32.
Variant type: single nucleotide variant.
Coding change: c.1653G>T on transcript NM_080425.4 (MANE Plus Clinical); coding-DNA position 1653, G replaced by T.
Protein change: p.Trp551Cys; replaces tryptophan 551 with cysteine.
Molecular consequence: missense variant. On other transcripts: intron variant (3).
Genome position (GRCh38, 1-based): chr20:58,854,918, G>T. VCF-style: chr20-58854918-G-T. GRCh37 (hg19) VCF-style: chr20-57429973-G-T.
Other names: c.1466G>T, p.Gly489Val (NM_001077490.3, NM_001309883.1); c.1653G>T, p.Trp551Cys (NM_001410913.1); c.*42+14032G>T (NM_016592.5); c.43+14032G>T (NM_001410912.1); c.-39+13043G>T (NM_001309861.2); short protein forms G489V, W551C.
Identifiers: ClinVar variation 4995703 (VCV004995703.1).
Genomic context (GRCh38, chr20:58,854,918, plus strand): 5'-CAGCCCCGAGATCCAGGCTGCCGATCCGCCTACTCCGCGGCCTACTCGCGCGTCTGCCTG[G>T]CGGGGCAAGTCCGAGAGCAGCCGCGGCCGCCGCGTGTACTACGATGAAGGGGTGGCCAGC-3'
Protein context (NP_536350.2, residues 541-561): PTPRPTRASA[Trp551Cys]RGKSESSRGR

ClinVar aggregate classification (germline): Uncertain significance (1 of 4 stars; one submission).

Conditions:
GNAS-related disorder. Identifiers: MedGen CN380105.

Submission:

PreventionGenetics, part of Exact Sciences
Classification: Uncertain significance for GNAS-related condition. Last evaluated: 2026-08-03. Review status: criteria provided, single submitter. Criteria: ACMG Guidelines, 2015. Collection method: clinical testing. Allele origin: germline.
Comment: The GNAS c.1653G>T variant is predicted to result in the amino acid substitution p.Trp551Cys. To our knowledge, this variant has not been reported in the literature or in a large population database (gnomAD), indicating this variant is rare. At this time, the clinical significance of this variant is uncertain due to the absence of conclusive functional and genetic evidence.